The following is an entry in ClinVar:

NM_015271.5(TRIM2):c.110G>A (p.Ser37Asn)

Gene: TRIM2 (tripartite motif containing 2; plus strand). Cytogenetic location: 4q31.3.
Variant type: single nucleotide variant.
Coding change: c.110G>A on transcript NM_015271.5 (MANE Select); coding-DNA position 110, G replaced by A.
Protein change: p.Ser37Asn; replaces serine 37 with asparagine.
Molecular consequence: missense variant. On other transcripts: 5 prime UTR variant (3), intron variant (1).
Genome position (GRCh38, 1-based): chr4:153,270,414, G>A. VCF-style: chr4-153270414-G-A. GRCh37 (hg19) VCF-style: chr4-154191566-G-A.
Other names: c.29G>A, p.Ser10Asn (NM_001375513.1, NM_001375516.1, NM_001375517.1 and 5 more transcripts); c.110G>A, p.Ser37Asn (NM_001375519.1, NM_001302692.2, NM_001375488.1 and 1 more transcripts); c.107G>A, p.Ser36Asn (NM_001375520.1, NM_001302693.2, NM_001375489.1 and 1 more transcripts); c.-180G>A (NM_001375522.1, NM_001375523.1); c.-124-5479G>A (NM_001375525.1); c.83G>A, p.Ser28Asn (NM_001302694.2, NM_001351054.2); c.80G>A, p.Ser27Asn (NM_001351055.2); c.-448G>A (NM_001351057.2); short protein forms S10N, S27N, S28N, S36N, S37N.
Identifiers: ClinVar variation 3607798 (VCV003607798.2).

ClinVar aggregate classification (germline): Uncertain significance (1 of 4 stars; one submission).

Conditions:
Charcot-Marie-Tooth disease type 2R. Also called: Charcot-Marie-Tooth disease, axonal, type 2R; CHARCOT-MARIE-TOOTH NEUROPATHY, TYPE 2R; CHARCOT-MARIE-TOOTH DISEASE, AXONAL, AUTOSOMAL RECESSIVE, TYPE 2R. Identifiers: Orphanet 397968, MedGen C3809655, MONDO:0014208, OMIM 615490.

gnomAD v4.1: 3 of 1,614,072 alleles (0.00019%); highest among the groups gnomAD compares: Non-Finnish European, 0.00025%; no homozygotes.

Submission:

Labcorp Genetics (formerly Invitae), Labcorp
Classification: Uncertain significance for Charcot-Marie-Tooth disease type 2R. Last evaluated: 2024-03-18. Review status: criteria provided, single submitter. Criteria: Invitae Variant Classification Sherloc (09022015). Collection method: clinical testing. Allele origin: germline.
Comment: This sequence change replaces serine, which is neutral and polar, with asparagine, which is neutral and polar, at codon 10 of the TRIM2 protein (p.Ser10Asn). This variant is present in population databases (no rsID available, gnomAD 0.006%). This variant has not been reported in the literature in individuals affected with TRIM2-related conditions. An algorithm developed to predict the effect of missense changes on protein structure and function (PolyPhen-2) suggests that this variant is likely to be disruptive. In summary, the available evidence is currently insufficient to determine the role of this variant in disease. Therefore, it has been classified as a Variant of Uncertain Significance.